The following is an entry in ClinVar:

NM_174936.4(PCSK9):c.1869C>T (p.Thr623=)

Gene: PCSK9 (proprotein convertase subtilisin/kexin type 9; plus strand). Cytogenetic location: 1p32.3.
Variant type: single nucleotide variant.
Coding change: c.1869C>T on transcript NM_174936.4 (MANE Select); coding-DNA position 1869, C replaced by T.
Protein change: p.Thr623=; no amino-acid change (threonine 623 retained).
Molecular consequence: synonymous variant. On other transcripts: non-coding transcript variant (8).
Genome position (GRCh38, 1-based): chr1:55,063,374, C>T. VCF-style: chr1-55063374-C-T. GRCh37 (hg19) VCF-style: chr1-55529047-C-T.
Other names: p.Thr623=; c.1992C>T, p.Thr664= (NM_001407240.1); c.1911C>T, p.Thr637= (NM_001407241.1); c.1872C>T, p.Thr624= (NM_001407242.1); c.1812C>T, p.Thr604= (NM_001407243.1); c.1695C>T, p.Thr565= (NM_001407244.1); c.1677C>T, p.Thr559= (NM_001407245.1); c.1494C>T, p.Thr498= (NM_001407246.1); and 1 more.
Identifiers: ClinVar variation 468295 (VCV000468295.32), dbSNP rs28362285, ClinGen allele CA039496.

ClinVar aggregate classification (germline): Benign/Likely benign. Review status: criteria provided, multiple submitters, no conflicts (2 of 4 stars). 16 submissions from 15 submitters: Benign (10); Likely benign (6). Last evaluated 2026-01-21.

Conditions:
Hypobetalipoproteinemia. Identifiers: Orphanet 31154, MedGen C0020597, MONDO:0017774.
Cardiovascular phenotype. Identifiers: MedGen CN230736.
Familial hypercholesterolemia. Also called: Familial hypercholesterolemias; Familial hypercholesterolaemia. Identifiers: MedGen C0020445, MONDO:0005439.
Hypercholesterolemia, familial, 1. Also called: HYPERCHOLESTEROLEMIA, FAMILIAL, MODIFIER OF; LDL RECEPTOR DISORDER; Hyperlipoproteinemia Type IIa; HYPER-LOW-DENSITY-LIPOPROTEINEMIA; HYPERCHOLESTEROLEMIC XANTHOMATOSIS, FAMILIAL; Fredrickson type IIa hyperlipoproteinemia. Identifiers: Orphanet 391665, MedGen C0745103, MONDO:0007750, OMIM 143890.
Hypercholesterolemia, autosomal dominant, 3 (FHCL3). Also called: Familial Hypercholesterolemia, Autosomal Dominant, 3; PCSK9-Related Familial Hypercholesterolemia, Autosomal Dominant; Familial hypercholesterolemia 3. Identifiers: MedGen C1863551, MONDO:0011369, OMIM 603776.

Allele frequency attached by ClinVar (database versions not stated): gnomAD exomes 0.00069 and 0.00130; ExAC 0.00162; ESP Exome Variant Server 0.00438; gnomAD 0.00481 and 0.00518; 1000 Genomes Project 0.00499; TOPMed 0.00526; 1000 Genomes Project 30x 0.00593.
gnomAD v4.1: 1,796 of 1,613,520 alleles (0.11%); highest among the groups gnomAD compares: African/African-American, 1.6%; 8 homozygotes.

Submissions (16):

Labcorp Genetics (formerly Invitae), Labcorp
Classification: Benign for Hypercholesterolemia, autosomal dominant, 3. Last evaluated: 2026-01-21. Review status: criteria provided, single submitter. Criteria: Invitae Variant Classification Sherloc (09022015). Collection method: clinical testing. Allele origin: germline.

Mayo Clinic Laboratories, Mayo Clinic
Classification: Likely benign. Last evaluated: 2025-06-25. Review status: criteria provided, single submitter. Criteria: ACMG Guidelines, 2015. Collection method: clinical testing. Allele origin: germline. Observed: 4 variant alleles.
Comment: BS1, BP4, BP7

Molecular Diagnostic Laboratory for Inherited Cardiovascular Disease, Montreal Heart Institute
Classification: Benign. Last evaluated: 2025-04-09. Review status: criteria provided, single submitter. Criteria: ACMG Guidelines, 2015. Collection method: clinical testing. Allele origin: germline. Affected: no.
Comment: BS1;BP6;BP7

ARUP Laboratories, Molecular Genetics and Genomics, ARUP Laboratories
Classification: Benign. Last evaluated: 2025-03-11. Review status: criteria provided, single submitter. Criteria: ARUP Molecular Germline Variant Investigation Process 2024. Collection method: clinical testing. Allele origin: germline.

Blueprint Genetics
Classification: Likely benign. Last evaluated: 2024-11-12. Review status: criteria provided, single submitter. Criteria: ACMG Guidelines, 2015. Collection method: clinical testing. Allele origin: germline.

All of Us Research Program, National Institutes of Health
Classification: Benign for Hypercholesterolemia, autosomal dominant, 3. Last evaluated: 2024-02-05. Review status: criteria provided, single submitter. Criteria: ACMG Guidelines, 2015. Collection method: clinical testing. Allele origin: germline. Inheritance: Autosomal dominant inheritance. Observed: 323 variant alleles, 320 heterozygotes, 3 homozygotes.
Comment: This study involves interpretation of variants in research participants for the purpose of population health screening. Participant phenotype was not available at the time of variant classification. Additional details can be found in publication PMID: 35346344, PMCID: PMC8962531

GENinCode PLC
Classification: Benign for Familial hypercholesterolemia. Last evaluated: 2022-08-24. Review status: criteria provided, single submitter. Criteria: ACMG Guidelines, 2015. Collection method: clinical testing. Allele origin: germline.

Color Diagnostics, LLC DBA Color Health
Classification: Benign for Familial hypercholesterolemia. Last evaluated: 2022-01-01. Review status: criteria provided, single submitter. Criteria: ACMG Guidelines, 2015. Collection method: clinical testing. Allele origin: germline.

Ambry Genetics
Classification: Likely benign for Cardiovascular phenotype. Last evaluated: 2020-03-19. Review status: criteria provided, single submitter. Criteria: Ambry Variant Classification Scheme 2023. Collection method: clinical testing. Allele origin: germline.

Quest Diagnostics Nichols Institute San Juan Capistrano
Classification: Benign. Last evaluated: 2019-06-12. Review status: criteria provided, single submitter. Criteria: Quest Diagnostics criteria. Collection method: clinical testing. Allele origin: germline.

GeneDx
Classification: Benign. Last evaluated: 2019-01-18. Review status: criteria provided, single submitter. Criteria: GeneDx Variant Classification Process June 2021. Collection method: clinical testing. Allele origin: germline. Affected: yes.

Illumina Laboratory Services, Illumina
Classification: Likely benign for Hypercholesterolemia, autosomal dominant, 3. Last evaluated: 2018-01-13. Review status: criteria provided, single submitter. Criteria: ICSL Variant Classification Criteria 13 December 2019. Collection method: clinical testing. Allele origin: germline.
Comment: This variant was observed in the ICSL laboratory as part of a predisposition screen in an ostensibly healthy population. It had not been previously curated by ICSL or reported in the Human Gene Mutation Database (HGMD: prior to June 1st, 2018), and was therefore a candidate for classification through an automated scoring system. Utilizing variant allele frequency, disease prevalence and penetrance estimates, and inheritance mode, an automated score was calculated to assess if this variant is too frequent to cause the disease. Based on the score and internal cut-off values, a variant classified as likely benign is not then subjected to further curation. The score for this variant resulted in a classification of likely benign for this disease.

Illumina Laboratory Services, Illumina
Classification: Likely benign for Hypobetalipoproteinemia. Last evaluated: 2018-01-13. Review status: criteria provided, single submitter. Criteria: ICSL Variant Classification Criteria 13 December 2019. Collection method: clinical testing. Allele origin: germline.
Comment: the same text as in the submission from Illumina Laboratory Services, Illumina above.

Robarts Research Institute, Western University
Classification: Benign for Hypercholesterolemia, familial, 1. Last evaluated: 2018-01-02. Review status: criteria provided, single submitter. Criteria: ACMG Guidelines, 2015. Collection method: clinical testing. Allele origin: germline. Inheritance: Autosomal dominant inheritance. Affected: yes.

Women's Health and Genetics/Laboratory Corporation of America, LabCorp
Classification: Benign. Last evaluated: 2016-07-19. Review status: criteria provided, single submitter. Criteria: LabCorp Variant Classification Summary - May 2015. Collection method: clinical testing. Allele origin: germline.
Comment: Variant summary: The PCSK9 c.1869C>T (p.Thr623Thr) variant involves the alteration of a non-conserved nucleotide, resulting in a synonymous change. One in silico tool predicts a benign outcome for this variant along with 4/5 splice tools predicting the variant not to have an impact on splicing. This variant was found in 171/105344 control chromosomes predominantly observed in the African, (1 homozygote) subpopulation at a frequency of 0.0166397 (144/8654). This frequency greatly exceeds the estimated maximal expected allele frequency of a pathogenic PCSK9 variant (0.0000188), suggesting this is likely a benign polymorphism found primarily in the populations of African origin. The variant of interest has not, to our knowledge, been reported in affected individuals via publications and/or reputable databases/clinical diagnostic laboratories; nor evaluated for functional impact by in vivo/vitro studies. Considering the high prevalence of the variant in the African population, this variant is classified as Benign.

Breakthrough Genomics
Classification: Likely benign. Review status: criteria provided, single submitter. Criteria: ACMG Guidelines, 2015. Collection method: not provided. Allele origin: germline. Inheritance: Autosomal dominant inheritance. Affected: yes.

Literature cited by the submitters: PubMed 19191301 (cited by Women's Health and Genetics/Laboratory Corporation of America, LabCorp).